The following is an entry in ClinVar:

NM_000089.4(COL1A2):c.2342G>T (p.Gly781Val)

Gene: COL1A2 (collagen type I alpha 2 chain; plus strand). Cytogenetic location: 7q21.3.
Variant type: single nucleotide variant.
Coding change: c.2342G>T on transcript NM_000089.4 (MANE Select); coding-DNA position 2342, G replaced by T.
Protein change: p.Gly781Val; replaces glycine 781 with valine.
Molecular consequence: missense variant.
Genome position (GRCh38, 1-based): chr7:94,421,055, G>T. VCF-style: chr7-94421055-G-T. GRCh37 (hg19) VCF-style: chr7-94050367-G-T.
Other names: short protein forms G781V.
Identifiers: ClinVar variation 393287 (VCV000393287.2), dbSNP rs1057524873, ClinGen allele CA16605414.

ClinVar aggregate classification (germline): Pathogenic (1 of 4 stars; one submission).

Submission:

GeneDx
Classification: Pathogenic. Last evaluated: 2017-02-07. Review status: criteria provided, single submitter. Criteria: GeneDx Variant Classification (06012015). Collection method: clinical testing. Allele origin: germline. Affected: yes.
Comment: The G781V pathogenic variant has not been published as a pathogenic variant, nor has it been reported as a benign variant to our knowledge. G781V occurs in the triple helical domain and replaces the Glycine in the canonical Gly-X-Y repeat. Mutations in these Glycines result in poor winding of the collagen triple helix and a less functional protein. The G781V variant was not observed in approximately 6500 individuals of European and African American ancestry in the NHLBI Exome Sequencing Project, indicating it is not a common benign variant in these populations. The G781V variant is a conservative amino acid substitution, which is not likely to impact secondary protein structure as these residues share similar properties. This substitution occurs at a position that is conserved across species. In silico analysis predicts this variant is damaging to the protein structure/function. Missense variants in nearby Glycine residues (G778S, G784R/S, G787C) have been reported in the Human Gene Mutation Database in association with osteogenesis imperfecta (Stenson et al., 2014), supporting the functional importance of this region of the protein. Therefore, the presence of this pathogenic variant is consistent with the diagnosis of a COL1A2-related skeletal dysplasia.